The following is an entry in ClinVar:

NM_000111.3(SLC26A3):c.915C>T (p.Tyr305=)

Gene: SLC26A3 (solute carrier family 26 member 3; minus strand). Cytogenetic location: 7q22.3.
Variant type: single nucleotide variant.
Coding change: c.915C>T on transcript NM_000111.3 (MANE Select); coding-DNA position 915, C replaced by T.
Protein change: p.Tyr305=; no amino-acid change (tyrosine 305 retained).
Molecular consequence: synonymous variant.
Genome position (GRCh38, 1-based): chr7:107,786,883, G>A on the plus strand (C>T on the coding strand, the complement: SLC26A3 is on the minus strand). VCF-style: chr7-107786883-G-A. GRCh37 (hg19) VCF-style: chr7-107427328-G-A.
Identifiers: ClinVar variation 911074 (VCV000911074.11), dbSNP rs386833490, ClinGen allele CA4433995.
Genomic context (GRCh38, chr7:107,786,883, plus strand): 5'-TTACCCAGGATTCATGTCCCCAACCACAGCCACTTTAAACCTGTTTTTAAAGTCACAGCC[G>A]TAGGATACACCTGCTGCAATCACGGTCTGCAAAGTTGCAAATGGCCCAAGTTAGAAATGT-3'
Protein context (NP_000102.1, residues 295-315): IMTVIAAGVS[Tyr305=]GCDFKNRFKV

ClinVar aggregate classification (germline): Conflicting classifications of pathogenicity. Review status: criteria provided, conflicting classifications (1 of 4 stars). 4 submissions from 4 submitters: Uncertain significance (1); Likely benign (2). 1 of the submissions does not count toward it. Last evaluated 2025-12-23.

Conditions:
SLC26A3-related disorder. Also called: SLC26A3-related condition.
Congenital secretory diarrhea, chloride type (DIAR1). Also called: CHLORIDORRHEA, CONGENITAL; DIARRHEA 1, SECRETORY CHLORIDE, CONGENITAL; CHLORIDE DIARRHEA, CONGENITAL, FINNISH TYPE. Identifiers: Orphanet 53689, MedGen C0267662, MONDO:0008964, OMIM 214700.

Allele frequency attached by ClinVar (database versions not stated): TOPMed 0.00005; ExAC 0.00006; gnomAD exomes 0.00006; ESP Exome Variant Server 0.00008.
gnomAD v4.1: 83 of 1,613,914 alleles (0.0051%); highest among the groups gnomAD compares: Middle Eastern, 0.016%; no homozygotes.

Submissions (4):

Labcorp Genetics (formerly Invitae), Labcorp
Classification: Likely benign. Last evaluated: 2025-12-23. Review status: criteria provided, single submitter. Criteria: Invitae Variant Classification Sherloc (09022015). Collection method: clinical testing. Allele origin: germline.

Blueprint Genetics
Classification: Likely benign. Last evaluated: 2024-03-23. Review status: criteria provided, single submitter. Criteria: ACMG Guidelines, 2015. Collection method: clinical testing. Allele origin: germline.

Illumina Laboratory Services, Illumina
Classification: Uncertain significance for Congenital secretory diarrhea, chloride type. Last evaluated: 2017-04-27. Review status: criteria provided, single submitter. Criteria: ICSL Variant Classification Criteria 13 December 2019. Collection method: clinical testing. Allele origin: germline.

PreventionGenetics, part of Exact Sciences
Classification: Likely benign for SLC26A3-related condition. Last evaluated: 2021-05-07. Review status: no assertion criteria provided. Collection method: clinical testing. Allele origin: germline. Not counted in ClinVar's aggregate classification.
Comment: This variant is classified as likely benign based on ACMG/AMP sequence variant interpretation guidelines (Richards et al. 2015 PMID: 25741868, with internal and published modifications).